The following is an entry in ClinVar:

NM_007294.4(BRCA1):c.3969A>G (p.Gln1323=)

Genes: BRCA1 (BRCA1 DNA repair associated; minus strand), LOC126862571 (BRD4-independent group 4 enhancer GRCh37_chr17:41243136-41244335; plus strand). Cytogenetic location: 17q21.31.
Variant type: single nucleotide variant.
Coding change: c.3969A>G on transcript NM_007294.4 (MANE Select); coding-DNA position 3969, A replaced by G.
Protein change: p.Gln1323=; no amino-acid change (glutamine 1323 retained).
Molecular consequence: synonymous variant. On other transcripts: intron variant (135).
Genome position (GRCh38, 1-based): chr17:43,091,562, T>C on the plus strand (A>G on the coding strand, the complement: BRCA1 is on the minus strand). VCF-style: chr17-43091562-T-C. GRCh37 (hg19) VCF-style: chr17-41243579-T-C.
Other names: c.3969A>G, p.Gln1323= (NM_001407624.1, NM_001407625.1, NM_001407626.1 and 30 more transcripts); c.3966A>G, p.Gln1322= (NM_001407627.1, NM_001407628.1, NM_001407632.1 and 22 more transcripts); c.3960A>G, p.Gln1320= (NM_001407646.1, NM_001407647.1); c.3846A>G, p.Gln1282= (NM_001407648.1, NM_001407666.1, NM_001407667.1 and 19 more transcripts); c.3843A>G, p.Gln1281= (NM_001407649.1, NM_001407670.1, NM_001407671.1 and 11 more transcripts); c.3756A>G, p.Gln1252= (NM_001407571.1, NM_001407853.1, NM_001407894.1 and 9 more transcripts); c.3891A>G, p.Gln1297= (NM_001407653.1, NM_001407654.1, NM_001407655.1 and 4 more transcripts); c.3888A>G, p.Gln1296= (NM_001407659.1, NM_001407660.1, NM_001407661.1 and 1 more transcripts); and 41 more.
Identifiers: ClinVar variation 3663687 (VCV003663687.2).

ClinVar aggregate classification (germline): Uncertain significance (1 of 4 stars; one submission).

Conditions:
Hereditary breast ovarian cancer syndrome. Also called: Hereditary breast and ovarian cancer syndrome; Hereditary breast and/or ovarian cancer syndrome; Hereditary breast and ovarian cancer; Breast and ovarian cancer; Hereditary breast and ovarian cancer syndrome (HBOC); BRCA1- and BRCA2-Associated Hereditary Breast and Ovarian Cancer. Identifiers: Orphanet 145, MedGen C0677776, MeSH D061325, MONDO:0003582. Disease mechanism: loss of function.

Submission:

Labcorp Genetics (formerly Invitae), Labcorp
Classification: Uncertain significance for Hereditary breast ovarian cancer syndrome. Last evaluated: 2024-08-28. Review status: criteria provided, single submitter. Criteria: Invitae Variant Classification Sherloc (09022015). Collection method: clinical testing. Allele origin: germline.
Comment: This sequence change affects codon 1323 of the BRCA1 mRNA. It is a 'silent' change, meaning that it does not change the encoded amino acid sequence of the BRCA1 protein. This variant is not present in population databases (gnomAD no frequency). This variant has not been reported in the literature in individuals affected with BRCA1-related conditions. Algorithms developed to predict the effect of sequence changes on RNA splicing suggest that this variant may create or strengthen a splice site. In summary, the available evidence is currently insufficient to determine the role of this variant in disease. Therefore, it has been classified as a Variant of Uncertain Significance.